The following is an entry in ClinVar:

ClinVar aggregate classification (germline): Uncertain significance. Review status: criteria provided, multiple submitters, no conflicts (2 of 4 stars). 2 submissions from 2 submitters: Uncertain significance (2). Last evaluated 2026-01-16.

Conditions:
Inborn genetic diseases. Identifiers: MedGen C0950123, MeSH D030342.

gnomAD v4.1: 1 of 1,613,922 alleles (0.000062%); highest among the groups gnomAD compares: East Asian, 0.0022%; no homozygotes.

Submissions (2):

Labcorp Genetics (formerly Invitae), Labcorp
Classification: Uncertain significance. Last evaluated: 2026-01-16. Review status: criteria provided, single submitter. Criteria: Invitae Variant Classification Sherloc (09022015). Collection method: clinical testing. Allele origin: germline.
Comment: This sequence change replaces threonine, which is neutral and polar, with alanine, which is neutral and non-polar, at codon 407 of the MBD4 protein (p.Thr407Ala). This variant is not present in population databases (gnomAD no frequency). This variant has not been reported in the literature in individuals affected with MBD4-related conditions. ClinVar contains an entry for this variant (Variation ID: 3702147). An algorithm developed to predict the effect of missense changes on protein structure and function (PolyPhen-2) suggests that this variant is likely to be disruptive. In summary, the available evidence is currently insufficient to determine the role of this variant in disease. Therefore, it has been classified as a Variant of Uncertain Significance.

Ambry Genetics
Classification: Uncertain significance for Inborn genetic diseases. Last evaluated: 2024-12-25. Review status: criteria provided, single submitter. Criteria: Ambry Variant Classification Scheme 2023. Collection method: clinical testing. Allele origin: germline.
Comment: The p.T401A variant (also known as c.1201A>G), located in coding exon 4 of the MBD4 gene, results from an A to G substitution at nucleotide position 1201. The threonine at codon 401 is replaced by alanine, an amino acid with similar properties. This amino acid position is conserved. In addition, this alteration is predicted to be tolerated by in silico analysis. Based on the available evidence, the clinical significance of this variant remains unclear.

NM_001276270.2(MBD4):c.1201A>G (p.Thr401Ala)

Gene: MBD4 (methyl-CpG binding domain 4, DNA glycosylase; minus strand). Cytogenetic location: 3q21.3.
Variant type: single nucleotide variant.
Coding change: c.1201A>G on transcript NM_001276270.2 (MANE Select); coding-DNA position 1201, A replaced by G.
Protein change: p.Thr401Ala; replaces threonine 401 with alanine.
Molecular consequence: missense variant.
Genome position (GRCh38, 1-based): chr3:129,434,119, T>C on the plus strand (A>G on the coding strand, the complement: MBD4 is on the minus strand). VCF-style: chr3-129434119-T-C. GRCh37 (hg19) VCF-style: chr3-129152962-T-C.
Other names: c.1219A>G, p.Thr407Ala (NM_001276271.2, NM_001276272.2, NM_003925.3); c.265A>G, p.Thr89Ala (NM_001276273.2); short protein forms T401A, T407A, T89A.
Identifiers: ClinVar variation 3702147 (VCV003702147.3).
Genomic context (GRCh38, chr3:129,434,119, plus strand): 5'-TACCTTCTTTGTTATATTTGCTGGAAAAATACAGGCTTGTTTTCCTTCTTTCTATCTGTG[T>C]TCGTGGGATGGTATCTTCTGAAAAGGAAAAGTAAACACTTTATGGAGTCTATGGTTTAGC-3'
Protein context (NP_001263199.1, residues 391-411): KDFTEDTIPR[Thr401Ala]QIERRKTSLY